The following is an entry in ClinVar:

ClinVar aggregate classification (germline): Uncertain significance (1 of 4 stars; one submission).

Conditions:
Intellectual disability, autosomal recessive 53 (NEDHSCA). Also called: GLYCOSYLPHOSPHATIDYLINOSITOL BIOSYNTHESIS DEFECT 13; Mental retardation, autosomal recessive 53; NEURODEVELOPMENTAL DISORDER WITH OR WITHOUT HYPOTONIA, SEIZURES, AND CEREBELLAR ATROPHY. Identifiers: Orphanet 488635, MedGen C4310794, MONDO:0014832, OMIM 616917.

Submission:

Labcorp Genetics (formerly Invitae), Labcorp
Classification: Uncertain significance for Intellectual disability, autosomal recessive 53. Last evaluated: 2022-02-18. Review status: criteria provided, single submitter. Criteria: Invitae Variant Classification Sherloc (09022015). Collection method: clinical testing. Allele origin: germline.
Comment: This sequence change replaces valine, which is neutral and non-polar, with glycine, which is neutral and non-polar, at codon 114 of the PIGG protein (p.Val114Gly). This variant is not present in population databases (gnomAD no frequency). This variant has not been reported in the literature in individuals affected with PIGG-related conditions. Algorithms developed to predict the effect of missense changes on protein structure and function are either unavailable or do not agree on the potential impact of this missense change (SIFT: "Deleterious"; PolyPhen-2: "Probably Damaging"; Align-GVGD: "Class C0"). In summary, the available evidence is currently insufficient to determine the role of this variant in disease. Therefore, it has been classified as a Variant of Uncertain Significance.

NM_001127178.3(PIGG):c.341T>G (p.Val114Gly)

Gene: PIGG (phosphatidylinositol glycan anchor biosynthesis class G (EMM blood group); plus strand). Cytogenetic location: 4p16.3.
Variant type: single nucleotide variant.
Coding change: c.341T>G on transcript NM_001127178.3 (MANE Select); coding-DNA position 341, T replaced by G.
Protein change: p.Val114Gly; replaces valine 114 with glycine.
Molecular consequence: missense variant. On other transcripts: 5 prime UTR variant (5), non-coding transcript variant (10).
Genome position (GRCh38, 1-based): chr4:500,582, T>G. VCF-style: chr4-500582-T-G. GRCh37 (hg19) VCF-style: chr4-494371-T-G.
Other names: c.-547T>G (NM_001345988.2); c.341T>G, p.Val114Gly (NM_001345989.2, NM_017733.5, NM_001289052.2); c.-1285T>G (NM_001345990.2); c.-1147T>G (NM_001345991.2); c.-872T>G (NM_001345994.2); c.74T>G, p.Val25Gly (NM_001289051.2, NM_001289053.2, NM_001289057.2 and 2 more transcripts); c.-96T>G (NM_001289055.2); short protein forms V114G, V25G.
Identifiers: ClinVar variation 2040944 (VCV002040944.4), dbSNP rs2474493815, ClinGen allele CA355891836.